The following is an entry in ClinVar:

NM_003664.5(AP3B1):c.2398-3T>G

Gene: AP3B1 (adaptor related protein complex 3 subunit beta 1; minus strand). Cytogenetic location: 5q14.1.
Variant type: single nucleotide variant.
Coding change: c.2398-3T>G on transcript NM_003664.5 (MANE Select); 3 bases into the intron before coding-DNA position 2398, T replaced by G.
Molecular consequence: intron variant.
Genome position (GRCh38, 1-based): chr5:78,101,028, A>C on the plus strand (T>G on the coding strand, the complement: AP3B1 is on the minus strand). VCF-style: chr5-78101028-A-C. GRCh37 (hg19) VCF-style: chr5-77396852-A-C.
Other names: c.2251-3T>G (NM_001271769.2); c.2398-3T>G (NM_001410752.1).
Identifiers: ClinVar variation 4886718 (VCV004886718.2).

ClinVar aggregate classification (germline): Uncertain significance (1 of 4 stars; one submission).

Submission:

Dasa
Classification: Uncertain significance. Last evaluated: 2024-10-30. Review status: criteria provided, single submitter. Criteria: DASA Assertion Criteria. Collection method: clinical testing. Allele origin: germline.
Comment: NM_003664.5(AP3B1):c.2398-3T>G is a splice-region variant predicted to affect normal RNA splicing. This variant is absent from population databases. Computational prediction algorithms are consistent with a deleterious effect. The currently available literature and clinical evidence are not sufficient to establish a definitive association between this variant and the reported condition. Therefore, this variant is classified as a variant of uncertain significance.